The following is an entry in ClinVar:

ClinVar aggregate classification (germline): Uncertain significance (1 of 4 stars; one submission).

gnomAD v4.1: 7 of 152,150 alleles (0.0046%); highest among the groups gnomAD compares: Non-Finnish European, 0.0088%; no homozygotes.

Submission:

CeGaT Center for Human Genetics Tuebingen
Classification: Uncertain significance. Last evaluated: 2026-05-01. Review status: criteria provided, single submitter. Criteria: CeGaT Center For Human Genetics Tuebingen Variant Classification Criteria Version 2. Collection method: clinical testing. Allele origin: germline. Affected: yes. Observed: 1 variant allele.
Comment: KDM5B: PM2

NM_006618.5(KDM5B):c.576+163G>C

Gene: KDM5B (lysine demethylase 5B; minus strand). Cytogenetic location: 1q32.1.
Variant type: single nucleotide variant.
Coding change: c.576+163G>C on transcript NM_006618.5 (MANE Select); 163 bases into the intron after coding-DNA position 576, G replaced by C.
Molecular consequence: intron variant.
Genome position (GRCh38, 1-based): chr1:202,772,955, C>G on the plus strand (G>C on the coding strand, the complement: KDM5B is on the minus strand). VCF-style: chr1-202772955-C-G. GRCh37 (hg19) VCF-style: chr1-202742083-C-G.
Other names: c.561+163G>C (NM_001399817.1); c.576+163G>C (NM_001347591.2, NM_001314042.2).
Identifiers: ClinVar variation 4873746 (VCV004873746.2).
Genomic context (GRCh38, chr1:202,772,955, plus strand): 5'-CCATGTTGGCCAGGCTGGTCTCAAACTCCTGTCCTCAGGTGATTCACCTGCCTTGGCCTC[C>G]CAAAGTGTTGGGATTACAGGAGTGAGCCACCGCGCCCCACCAAAATAAGGTCTTCTAAAA-3'